The following is an entry in ClinVar:

ClinVar aggregate classification (germline): Uncertain significance (1 of 4 stars; one submission).

Allele frequency attached by ClinVar (database versions not stated): gnomAD 0.00001; TOPMed below 0.00001.

Submission:

Labcorp Genetics (formerly Invitae), Labcorp
Classification: Uncertain significance. Last evaluated: 2025-08-18. Review status: criteria provided, single submitter. Criteria: Invitae Variant Classification Sherloc (09022015). Collection method: clinical testing. Allele origin: germline.
Comment: This sequence change replaces methionine, which is neutral and non-polar, with valine, which is neutral and non-polar, at codon 1445 of the POLR1A protein (p.Met1445Val). This variant is not present in population databases (gnomAD no frequency). This variant has not been reported in the literature in individuals affected with POLR1A-related conditions. ClinVar contains an entry for this variant (Variation ID: 2763974). Invitae Evidence Modeling of protein sequence and biophysical properties (such as structural, functional, and spatial information, amino acid conservation, physicochemical variation, residue mobility, and thermodynamic stability) indicates that this missense variant is not expected to disrupt POLR1A protein function with a negative predictive value of 80%. In summary, the available evidence is currently insufficient to determine the role of this variant in disease. Therefore, it has been classified as a Variant of Uncertain Significance.

NM_015425.6(POLR1A):c.4333A>G (p.Met1445Val)

Gene: POLR1A (RNA polymerase I subunit A; minus strand). Cytogenetic location: 2p11.2.
Variant type: single nucleotide variant.
Coding change: c.4333A>G on transcript NM_015425.6 (MANE Select); coding-DNA position 4333, A replaced by G.
Protein change: p.Met1445Val; replaces methionine 1445 with valine.
Molecular consequence: missense variant.
Genome position (GRCh38, 1-based): chr2:86,031,575, T>C on the plus strand (A>G on the coding strand, the complement: POLR1A is on the minus strand). VCF-style: chr2-86031575-T-C. GRCh37 (hg19) VCF-style: chr2-86258698-T-C.
Other names: short protein forms M1445V.
Identifiers: ClinVar variation 2763974 (VCV002763974.3), dbSNP rs1672394419, ClinGen allele CA347546911.